The following is an entry in ClinVar:

NM_001163435.3(TBCK):c.1765G>A (p.Val589Ile)

Gene: TBCK (TBC1 domain containing kinase; minus strand). Cytogenetic location: 4q24.
Variant type: single nucleotide variant.
Coding change: c.1765G>A on transcript NM_001163435.3 (MANE Select); coding-DNA position 1765, G replaced by A.
Protein change: p.Val589Ile; replaces valine 589 with isoleucine.
Molecular consequence: missense variant.
Genome position (GRCh38, 1-based): chr4:106,230,372, C>T on the plus strand (G>A on the coding strand, the complement: TBCK is on the minus strand). VCF-style: chr4-106230372-C-T. GRCh37 (hg19) VCF-style: chr4-107151529-C-T.
Other names: c.1765G>A, p.Val589Ile (NM_001163436.4); c.1648G>A, p.Val550Ile (NM_001163437.3); c.1249G>A, p.Val417Ile (NM_001290768.2); c.1576G>A, p.Val526Ile (NM_033115.5); short protein forms V417I, V526I, V550I, V589I.
Identifiers: ClinVar variation 2092139 (VCV002092139.4), dbSNP rs755550871, ClinGen allele CA3034954.

ClinVar aggregate classification (germline): Uncertain significance (1 of 4 stars; one submission).

Allele frequency attached by ClinVar (database versions not stated): ExAC 0.00001.
gnomAD v4.1: 1 of 1,588,360 alleles (0.000063%); highest among the groups gnomAD compares: Non-Finnish European, 0.000086%; no homozygotes.

Submission:

Labcorp Genetics (formerly Invitae), Labcorp
Classification: Uncertain significance. Last evaluated: 2022-08-16. Review status: criteria provided, single submitter. Criteria: Invitae Variant Classification Sherloc (09022015). Collection method: clinical testing. Allele origin: germline.
Comment: This sequence change replaces valine, which is neutral and non-polar, with isoleucine, which is neutral and non-polar, at codon 589 of the TBCK protein (p.Val589Ile). The frequency data for this variant in the population databases is considered unreliable, as metrics indicate poor data quality at this position in the gnomAD database. This variant has not been reported in the literature in individuals affected with TBCK-related conditions. Algorithms developed to predict the effect of missense changes on protein structure and function are either unavailable or do not agree on the potential impact of this missense change (SIFT: "Deleterious"; PolyPhen-2: "Possibly Damaging"; Align-GVGD: "Class C0"). In summary, the available evidence is currently insufficient to determine the role of this variant in disease. Therefore, it has been classified as a Variant of Uncertain Significance.